The following is an entry in ClinVar:

ClinVar aggregate classification (germline): Uncertain significance. Review status: criteria provided, multiple submitters, no conflicts (2 of 4 stars). 3 submissions from 3 submitters: Uncertain significance (2). 1 of the submissions does not count toward it. Last evaluated 2022-06-20.

Conditions:
Severe early-childhood-onset retinal dystrophy (STGD1). Also called: MACULAR DYSTROPHY WITH FLECKS, TYPE 1; STGD; Stargardt macular dystrophy; Juvenile onset macular degeneration; Stargardt disease 1. Identifiers: Orphanet 364055, Orphanet 827, MedGen C1855465, MeSH D000080362, MONDO:0009549, OMIM 248200.

Allele frequency attached by ClinVar (database versions not stated): ESP Exome Variant Server 0.00008; TOPMed 0.00001; gnomAD exomes 0.00002; ExAC 0.00001; gnomAD 0.00001.
gnomAD v4.1: 25 of 1,613,758 alleles (0.0015%); highest among the groups gnomAD compares: South Asian, 0.0099%; no homozygotes.

Submissions (3):

Labcorp Genetics (formerly Invitae), Labcorp
Classification: Uncertain significance. Last evaluated: 2022-06-20. Review status: criteria provided, single submitter. Criteria: Invitae Variant Classification Sherloc (09022015). Collection method: clinical testing. Allele origin: germline.
Comment: This sequence change affects codon 1821 of the ABCA4 mRNA. It is a 'silent' change, meaning that it does not change the encoded amino acid sequence of the ABCA4 protein. This variant is present in population databases (rs367857935, gnomAD 0.01%). This variant has been observed in individuals with clinical features of Stargardt disease (PMID: 28041643; Invitae). ClinVar contains an entry for this variant (Variation ID: 438102). Algorithms developed to predict the effect of sequence changes on RNA splicing suggest that this variant is not likely to affect RNA splicing. In summary, the available evidence is currently insufficient to determine the role of this variant in disease. Therefore, it has been classified as a Variant of Uncertain Significance.

Blueprint Genetics
Classification: Uncertain significance. Last evaluated: 2017-06-05. Review status: criteria provided, single submitter. Criteria: ACMG Guidelines, 2015. Collection method: clinical testing. Allele origin: germline.

NIHR Bioresource Rare Diseases, University of Cambridge
Classification: Likely pathogenic. Last evaluated: 2015-01-01. Review status: no assertion criteria provided. Collection method: research. Allele origin: unknown. Affected: yes. Observed: 1 variant allele. Not counted in ClinVar's aggregate classification.

Literature cited by the submitters: PubMed 28041643 (cited by Labcorp Genetics (formerly Invitae), Labcorp and NIHR Bioresource Rare Diseases, University of Cambridge).

NM_000350.3(ABCA4):c.5463G>A (p.Thr1821=)

Gene: ABCA4 (ATP binding cassette subfamily A member 4; minus strand). Cytogenetic location: 1p22.1.
Variant type: single nucleotide variant.
Coding change: c.5463G>A on transcript NM_000350.3 (MANE Select); coding-DNA position 5463, G replaced by A.
Protein change: p.Thr1821=; no amino-acid change (threonine 1821 retained).
Molecular consequence: synonymous variant.
Genome position (GRCh38, 1-based): chr1:94,011,383, C>T on the plus strand (G>A on the coding strand, the complement: ABCA4 is on the minus strand). VCF-style: chr1-94011383-C-T. GRCh37 (hg19) VCF-style: chr1-94476939-C-T.
Other names: c.5241G>A, p.Thr1747= (NM_001425324.1).
Identifiers: ClinVar variation 438102 (VCV000438102.10), dbSNP rs367857935, ClinGen allele CA957243.